The following is an entry in ClinVar:

ClinVar aggregate classification (germline): Likely benign. Review status: criteria provided, multiple submitters, no conflicts (2 of 4 stars). 2 submissions from 2 submitters: Likely benign (2). Last evaluated 2018-06-14.

Allele frequency attached by ClinVar (database versions not stated): gnomAD exomes 0.01208; TOPMed 0.02160; 1000 Genomes Project 0.01997; 1000 Genomes Project 30x 0.01999; gnomAD 0.02001 and 0.01942.
gnomAD v4.1: 15,212 of 1,162,506 alleles (1.3%); highest among the groups gnomAD compares: African/African-American, 4.2%; 239 homozygotes.

Submissions (2):

GeneDx
Classification: Likely benign. Last evaluated: 2018-06-14. Review status: criteria provided, single submitter. Criteria: GeneDx Variant Classification (06012015). Collection method: clinical testing. Allele origin: germline. Affected: yes.
Comment: This variant is considered likely benign or benign based on one or more of the following criteria: it is a conservative change, it occurs at a poorly conserved position in the protein, it is predicted to be benign by multiple in silico algorithms, and/or has population frequency not consistent with disease.

Breakthrough Genomics
Classification: Likely benign. Review status: criteria provided, single submitter. Criteria: ACMG Guidelines, 2015. Collection method: not provided. Allele origin: germline. Inheritance: Autosomal dominant inheritance. Affected: yes.

NM_001098512.3(PRKG1):c.-152A>G

Gene: PRKG1 (protein kinase cGMP-dependent 1; plus strand). Cytogenetic location: 10q11.23.
Variant type: single nucleotide variant.
Coding change: c.-152A>G on transcript NM_001098512.3; 152 bases upstream of the start codon, A replaced by G.
Molecular consequence: 5 prime UTR variant.
Genome position (GRCh38, 1-based): chr10:50,991,227, A>G. VCF-style: chr10-50991227-A-G. GRCh37 (hg19) VCF-style: chr10-52750987-A-G.
Identifiers: ClinVar variation 676360 (VCV000676360.4), dbSNP rs111417107, ClinGen allele CA207057991.